The following is an entry in ClinVar:

NM_020822.3(KCNT1):c.759+7C>T

Gene: KCNT1 (potassium sodium-activated channel subfamily T member 1; plus strand). Cytogenetic location: 9q34.3.
Variant type: single nucleotide variant.
Coding change: c.759+7C>T on transcript NM_020822.3 (MANE Select); 7 bases into the intron after coding-DNA position 759, C replaced by T.
Molecular consequence: intron variant.
Genome position (GRCh38, 1-based): chr9:135,757,388, C>T. VCF-style: chr9-135757388-C-T. GRCh37 (hg19) VCF-style: chr9-138649234-C-T.
Other names: c.615+7C>T (NM_001272003.2).
Identifiers: ClinVar variation 772078 (VCV000772078.28), dbSNP rs779833209, ClinGen allele CA5326614.
Genomic context (GRCh38, chr9:135,757,388, plus strand): 5'-ATCCCCGTCTTTCTGAACTGCTGGCTGGCCAAGCACGCGCTGGAAAACATGATTGTAAGC[C>T]GGGGCGGGGGGTGCAGCTGGGACTTGGGGGGGCCACCCTCAGCCTCACCGGCCCTGGAAG-3'

ClinVar aggregate classification (germline): Likely benign. Review status: criteria provided, multiple submitters, no conflicts (2 of 4 stars). 2 submissions from 2 submitters: Likely benign (2). Last evaluated 2025-07-06.

Conditions:
Developmental and epileptic encephalopathy, 14 (DEE14). Also called: Early infantile epileptic encephalopathy 14. Identifiers: Orphanet 293181, MedGen C3554195, MONDO:0013989, OMIM 614959.
Autosomal dominant nocturnal frontal lobe epilepsy 5. Also called: Epilepsy, nocturnal frontal lobe, 5; KCNT1-Related Epilepsy; CILIARY DYSKINESIA, PRIMARY, 28, WITHOUT SITUS INVERSUS; CILIARY DYSKINESIA, PRIMARY, 28, WITH SITUS INVERSUS. Identifiers: Orphanet 98784, MedGen C3554306, MONDO:0014002, OMIM 615005.

Allele frequency attached by ClinVar (database versions not stated): ExAC 0.00001; gnomAD exomes 0.00002; TOPMed 0.00003; gnomAD 0.00004 and 0.00005.
gnomAD v4.1: 37 of 1,605,478 alleles (0.0023%); highest among the groups gnomAD compares: South Asian, 0.0055%; no homozygotes.

Submissions (2):

Labcorp Genetics (formerly Invitae), Labcorp
Classification: Likely benign for Autosomal dominant nocturnal frontal lobe epilepsy 5; Developmental and epileptic encephalopathy, 14. Last evaluated: 2025-07-06. Review status: criteria provided, single submitter. Criteria: Invitae Variant Classification Sherloc (09022015). Collection method: clinical testing. Allele origin: germline.

CeGaT Center for Human Genetics Tuebingen
Classification: Likely benign. Last evaluated: 2024-06-01. Review status: criteria provided, single submitter. Criteria: CeGaT Center For Human Genetics Tuebingen Variant Classification Criteria Version 2. Collection method: clinical testing. Allele origin: germline. Affected: yes. Observed: 1 variant allele.
Comment: KCNT1: BP4